The following is an entry in ClinVar:

NM_000179.3(MSH6):c.3494G>A (p.Cys1165Tyr)

Gene: MSH6 (mutS homolog 6; plus strand). Cytogenetic location: 2p16.3.
Variant type: single nucleotide variant.
Coding change: c.3494G>A on transcript NM_000179.3 (MANE Select); coding-DNA position 3494, G replaced by A.
Protein change: p.Cys1165Tyr; replaces cysteine 1165 with tyrosine.
Molecular consequence: missense variant.
Genome position (GRCh38, 1-based): chr2:47,804,965, G>A. VCF-style: chr2-47804965-G-A. GRCh37 (hg19) VCF-style: chr2-48032104-G-A.
Other names: c.3104G>A, p.Cys1035Tyr (NM_001281492.2); c.2588G>A, p.Cys863Tyr (NM_001281493.2, NM_001281494.2, NM_001406811.1 and 6 more transcripts); c.3590G>A, p.Cys1197Tyr (NM_001406795.1, NM_001406802.1); c.3494G>A, p.Cys1165Tyr (NM_001406796.1, NM_001406800.1, NM_001406808.1 and 1 more transcripts); c.3197G>A, p.Cys1066Tyr (NM_001406797.1, NM_001406801.1, NM_001406805.1 and 10 more transcripts); c.3320G>A, p.Cys1107Tyr (NM_001406798.1); c.2969G>A, p.Cys990Tyr (NM_001406799.1, NM_001406806.1, NM_001406807.1); c.2630G>A, p.Cys877Tyr (NM_001406803.1); and 7 more; short protein forms C1035Y, C1066Y, C114Y, C1167Y, C863Y, C990Y, C643Y, C1107Y.
Identifiers: ClinVar variation 1731972 (VCV001731972.2), dbSNP rs2104506872, ClinGen allele CA346760154.

ClinVar aggregate classification (germline): Uncertain significance (1 of 4 stars; one submission).

Conditions:
Hereditary cancer-predisposing syndrome. Also called: Neoplastic Syndromes, Hereditary; Tumor predisposition; Hereditary Cancer Syndrome; Hereditary neoplastic syndrome. Identifiers: Orphanet 140162, MedGen C0027672, MeSH D009386, MONDO:0015356.

Submission:

Ambry Genetics
Classification: Uncertain significance for Hereditary cancer-predisposing syndrome. Last evaluated: 2019-09-13. Review status: criteria provided, single submitter. Criteria: Ambry Variant Classification Scheme 2023. Collection method: clinical testing. Allele origin: germline.
Comment: The p.C1165Y variant (also known as c.3494G>A), located in coding exon 6 of the MSH6 gene, results from a G to A substitution at nucleotide position 3494. The cysteine at codon 1165 is replaced by tyrosine, an amino acid with highly dissimilar properties. This amino acid position is well conserved in available vertebrate species. In addition, this alteration is predicted to be deleterious by in silico analysis. Since supporting evidence is limited at this time, the clinical significance of this alteration remains unclear.